The following is an entry in ClinVar:

NM_000245.4(MET):c.3144A>G (p.Gln1048=)

Gene: MET (MET proto-oncogene, receptor tyrosine kinase; plus strand). Cytogenetic location: 7q31.2.
Variant type: single nucleotide variant.
Coding change: c.3144A>G on transcript NM_000245.4 (MANE Select); coding-DNA position 3144, A replaced by G.
Protein change: p.Gln1048=; no amino-acid change (glutamine 1048 retained).
Molecular consequence: synonymous variant.
Genome position (GRCh38, 1-based): chr7:116,774,996, A>G. VCF-style: chr7-116774996-A-G. GRCh37 (hg19) VCF-style: chr7-116415050-A-G.
Other names: c.3198A>G, p.Gln1066= (NM_001127500.3); c.1854A>G, p.Gln618= (NM_001324402.2).
Identifiers: ClinVar variation 3773056 (VCV003773056.1).

ClinVar aggregate classification (germline): Benign (1 of 4 stars; one submission).

Conditions:
Papillary renal cell carcinoma type 1 (RCCP1). Also called: Renal adenocarcinoma; Renal cell carcinoma 1; Renal cell carcinoma, somatic; RENAL CELL CARCINOMA, PAPILLARY, 1, SOMATIC. Identifiers: Orphanet 47044, MedGen C1336839, OMIM 605074, HP:0011797.

Submission:

Myriad Genetics, Inc.
Classification: Benign for Papillary renal cell carcinoma type 1. Last evaluated: 2024-11-13. Review status: criteria provided, single submitter. Criteria: Myriad Autosomal Dominant, Autosomal Recessive and X-Linked Classification Criteria (2023). Collection method: clinical testing. Allele origin: unknown.
Comment: This variant is considered benign. This variant is a silent/synonymous amino acid change and it is not expected to impact splicing.